The following is an entry in ClinVar:

ClinVar aggregate classification (germline): Uncertain significance (1 of 4 stars; one submission).

Conditions:
Inborn genetic diseases. Identifiers: MedGen C0950123, MeSH D030342.

Submission:

Ambry Genetics
Classification: Uncertain significance for Inborn genetic diseases. Last evaluated: 2025-05-10. Review status: criteria provided, single submitter. Criteria: Ambry Variant Classification Scheme 2023. Collection method: clinical testing. Allele origin: germline.
Comment: The p.T620A variant (also known as c.1858A>G), located in coding exon 21 of the FANCA gene, results from an A to G substitution at nucleotide position 1858. The threonine at codon 620 is replaced by alanine, an amino acid with similar properties. This amino acid position is conserved. In addition, this alteration is predicted to be tolerated by in silico analysis. Based on the available evidence, the clinical significance of this variant remains unclear.

NM_000135.4(FANCA):c.1858A>G (p.Thr620Ala)

Gene: FANCA (FA complementation group A; minus strand). Cytogenetic location: 16q24.3.
Variant type: single nucleotide variant.
Coding change: c.1858A>G on transcript NM_000135.4 (MANE Select); coding-DNA position 1858, A replaced by G.
Protein change: p.Thr620Ala; replaces threonine 620 with alanine.
Molecular consequence: missense variant.
Genome position (GRCh38, 1-based): chr16:89,775,784, T>C on the plus strand (A>G on the coding strand, the complement: FANCA is on the minus strand). VCF-style: chr16-89775784-T-C. GRCh37 (hg19) VCF-style: chr16-89842192-T-C.
Other names: c.1858A>G, p.Thr620Ala (NM_001286167.3); short protein forms T620A.
Identifiers: ClinVar variation 4022259 (VCV004022259.1).
Genomic context (GRCh38, chr16:89,775,784, plus strand): 5'-AGCGGCCCAGGAACTTACCTTCTGGCTTCTCTTCAGCAGCAGAGCAGGCCTGGCAGTAGG[T>C]GGAGTACAGAGATGGGGGGATTTTATCTGCTCTGGATCACAGGAAAACAATACAATTAAG-3'
Protein context (NP_000126.2, residues 610-630): ADKIPPSLYS[Thr620Ala]YCQACSAAEE